The following is an entry in ClinVar:

ClinVar aggregate classification (germline): Pathogenic/Likely pathogenic. Review status: criteria provided, multiple submitters, no conflicts (2 of 4 stars). 2 submissions from 2 submitters: Pathogenic (1); Likely pathogenic (1). Last evaluated 2024-05-09.

Submissions (2):

Labcorp Genetics (formerly Invitae), Labcorp
Classification: Pathogenic. Last evaluated: 2024-05-09. Review status: criteria provided, single submitter. Criteria: Invitae Variant Classification Sherloc (09022015). Collection method: clinical testing. Allele origin: germline.
Comment: This sequence change creates a premature translational stop signal (p.Lys286*) in the PCSK1 gene. It is expected to result in an absent or disrupted protein product. Loss-of-function variants in PCSK1 are known to be pathogenic (PMID: 23562752, 23800642, 24280991, 27391121). This variant is not present in population databases (gnomAD no frequency). This variant has not been reported in the literature in individuals affected with PCSK1-related conditions. ClinVar contains an entry for this variant (Variation ID: 1319421). For these reasons, this variant has been classified as Pathogenic.

Institute for Clinical Genetics, University Hospital TU Dresden, University Hospital TU Dresden
Classification: Likely pathogenic. Last evaluated: 2021-11-03. Review status: criteria provided, single submitter. Criteria: ACMG Guidelines, 2015. Collection method: clinical testing. Allele origin: germline.

Literature cited by the submitters: PubMed 23562752 (cited by Labcorp Genetics (formerly Invitae), Labcorp); PubMed 23800642 (cited by Labcorp Genetics (formerly Invitae), Labcorp); PubMed 24280991 (cited by Labcorp Genetics (formerly Invitae), Labcorp); PubMed 27391121 (cited by Labcorp Genetics (formerly Invitae), Labcorp).

NM_000439.5(PCSK1):c.856A>T (p.Lys286Ter)

Genes: CAST (calpastatin; plus strand), PCSK1 (proprotein convertase subtilisin/kexin type 1; minus strand), LOC101929710 (uncharacterized LOC101929710; plus strand). Cytogenetic location: 5q15.
Variant type: single nucleotide variant.
Coding change: c.856A>T on transcript NM_000439.5 (MANE Select); coding-DNA position 856, A replaced by T.
Protein change: p.Lys286Ter; replaces lysine 286 with a stop codon.
Molecular consequence: nonsense.
Genome position (GRCh38, 1-based): chr5:96,412,344, T>A on the plus strand (A>T on the coding strand, the complement: PCSK1 is on the minus strand). VCF-style: chr5-96412344-T-A. GRCh37 (hg19) VCF-style: chr5-95748048-T-A.
Other names: c.715A>T, p.Lys239Ter (NM_001177875.2); short protein forms K239*, K286*.
Identifiers: ClinVar variation 1319421 (VCV001319421.5), dbSNP rs2112422226, ClinGen allele CA360482234.